The following is an entry in ClinVar:

NM_000435.3(NOTCH3):c.1732C>T (p.Arg578Cys)

Gene: NOTCH3 (notch receptor 3; minus strand). Cytogenetic location: 19p13.12.
Variant type: single nucleotide variant.
Coding change: c.1732C>T on transcript NM_000435.3 (MANE Select); coding-DNA position 1732, C replaced by T.
Protein change: p.Arg578Cys; replaces arginine 578 with cysteine.
Molecular consequence: missense variant.
Genome position (GRCh38, 1-based): chr19:15,187,213, G>A on the plus strand (C>T on the coding strand, the complement: NOTCH3 is on the minus strand). VCF-style: chr19-15187213-G-A. GRCh37 (hg19) VCF-style: chr19-15298024-G-A.
Other names: p.Arg578Cys; short protein forms R578C.
Identifiers: ClinVar variation 808496 (VCV000808496.67), dbSNP rs769773673, ClinGen allele CA9263564.

ClinVar aggregate classification (germline): Pathogenic/Likely pathogenic. Review status: criteria provided, multiple submitters, no conflicts (2 of 4 stars). 12 submissions from 12 submitters: Pathogenic (5); Likely pathogenic (6). 1 of the submissions does not count toward it. Last evaluated 2025-12-29.

Conditions:
NOTCH3-related disorder. Also called: NOTCH3-related condition; NOTCH3-related disorders.
Cerebral arteriopathy with subcortical infarcts and leukoencephalopathy. Also called: Cerebral autosomal dominant arteriopathy with subcortical infarcts and leukoencephalopathy. Identifiers: MedGen C0751587, MONDO:0007432.
Cerebral arteriopathy, autosomal dominant, with subcortical infarcts and leukoencephalopathy, type 1 (CADASIL1). Also called: DEMENTIA, HEREDITARY MULTIINFARCT TYPE; CADASIL 1; CASIL; Cerebral arteriopathy with subcortical infarcts and leukoencephalopathy 1. Identifiers: Orphanet 136, MedGen C4551768, MONDO:0000914, OMIM 125310.

Allele frequency attached by ClinVar (database versions not stated): TOPMed 0.00002; gnomAD 0.00002 and 0.00004; ExAC 0.00004; gnomAD exomes 0.00004.
gnomAD v4.1: 36 of 1,613,988 alleles (0.0022%); highest among the groups gnomAD compares: Admixed American, 0.01%; no homozygotes.

Submissions 1 to 6 of 12:

Labcorp Genetics (formerly Invitae), Labcorp
Classification: Pathogenic. Last evaluated: 2025-12-29. Review status: criteria provided, single submitter. Criteria: Invitae Variant Classification Sherloc (09022015). Collection method: clinical testing. Allele origin: germline.
Comment: This sequence change replaces arginine, which is basic and polar, with cysteine, which is neutral and slightly polar, at codon 578 of the NOTCH3 protein (p.Arg578Cys). This variant is present in population databases (rs769773673, gnomAD 0.01%). This missense change has been observed in individuals with clinical features of autosomal dominant cerebral arteriopathy with subcortical infarcts and leukoencephalopathy (CADASIL) (PMID: 8878478, 17135568, 19153638, 20038773, 30311053, 31554780; internal data). This variant is also known as R > C in exon N9. ClinVar contains an entry for this variant (Variation ID: 808496). Invitae Evidence Modeling of protein sequence and biophysical properties (such as structural, functional, and spatial information, amino acid conservation, physicochemical variation, residue mobility, and thermodynamic stability) indicates that this missense variant is expected to disrupt NOTCH3 protein function with a positive predictive value of 95%. For these reasons, this variant has been classified as Pathogenic.

Mayo Clinic Laboratories, Mayo Clinic
Classification: Likely pathogenic. Last evaluated: 2025-08-22. Review status: criteria provided, single submitter. Criteria: ACMG Guidelines, 2015. Collection method: clinical testing. Allele origin: germline. Observed: 5 variant alleles.
Comment: PP2, PP4, PM1, PS4_moderate

ARUP Laboratories, Molecular Genetics and Genomics, ARUP Laboratories
Classification: Likely pathogenic. Last evaluated: 2025-06-25. Review status: criteria provided, single submitter. Criteria: ARUP Molecular Germline Variant Investigation Process 2024. Collection method: clinical testing. Allele origin: germline.
Comment: The NOTCH3 c.1732C>T; p.Arg578Cys variant (rs769773673; ClinVar Variation ID: 808496) is reported in the literature in multiple individuals affected with CADASIL (Choi 2006, Hack 2022, Joutel 1996, Liem 2008, Min 2022, Qin 2019, Tikka 2009, Wu 2021). This variant has been reported in several individuals with mild clinical symptoms (Hack 2022, Liem 2008) and one neuropathogically normal individual from an elderly control cohort with Alzheimerâ€™s disease (Sassi 2018), suggesting the variant may exhibit incomplete penetrance and variable expressivity. This variant is found in the general population with an overall allele frequency of 0.004% (10/250,688 alleles) in the Genome Aggregation Database (v2.1.1). While computational analyses are uncertain whether this variant is neutral or deleterious (REVEL: 0.639), the variant occurs in the fourteenth EGF-like domain. Most pathogenic NOTCH3 variants occur in exons 2-24 and either create or destroy a cysteine residue within an EGF-like domain (Rutten 2014), and thus the p.Arg578Cys variant is consistent with the predominant mechanism of disease in NOTCH3. Based on available information, this variant is considered to be likely pathogenic. References: Choi JC et al. Intracerebral hemorrhages in CADASIL. Neurology. 2006 Dec 12;67(11):2042-4. PMID: 17135568. Hack RJ et al. Cerebral Autosomal Dominant Arteriopathy With Subcortical Infarcts and Leukoencephalopathy Family Members With a Pathogenic NOTCH3 Variant Can Have a Normal Brain Magnetic Resonance Imaging and Skin Biopsy Beyond Age 50 Years. Stroke. 2022 Jun;53(6):1964-1974. PMID: 35300531. Joutel A et al. Notch3 mutations in CADASIL, a hereditary adult-onset condition causing stroke and dementia. Nature. 1996 Oct 24;383(6602):707-10. PMID: 8878478. Liem MK et al. Homozygosity for a NOTCH3 mutation in a 65-year-old CADASIL patient with mild symptoms: a family report. J Neurol. 2008 Dec;255(12):1978-80. PMID: 19153638. Min JY et al. Mutation spectrum and genotype-phenotype correlations in 157 Korean CADASIL patients: a multicenter study. Neurogenetics. 2022 Jan;23(1):45-58. PMID: 34741685. Qin W et al. Clinical Features of 4 Novel NOTCH3 Mutations of Cerebral Autosomal Dominant Arteriopathy with Subcortical Infarcts and Leukoencephalopathy in China. Med Sci Monit Basic Res. 2019 Sep 26;25:199-209. PMID: 31554780. Rutten JW et al. Interpretation of NOTCH3 mutations in the diagnosis of CADASIL. Expert Rev Mol Diagn. 2014 Jun;14(5):593-603. PMID: 24844136. Sassi C et al. Mendelian adult-onset leukodystrophy genes in Alzheimer's disease: critical influence of CSF1R and NOTCH3. Neurobiol Aging. 2018 Jun;66:179.e17-179.e29. PMID: 29544907. Tikka S et al. Congruence between NOTCH3 mutations and GOM in 131 CADASIL patients. Brain. 2009 Apr;132(Pt 4):933-9. PMID: 19174371. Wu X et al. A Chinese CADASIL family with p.R578C mutation at exon 11 of the NOTCH3 gene. Clin Neurol Neurosurg. 2021 Sep;208:106833. PMID: 34352628.

Women's Health and Genetics/Laboratory Corporation of America, LabCorp
Classification: Pathogenic for Cerebral arteriopathy, autosomal dominant, with subcortical infarcts and leukoencephalopathy, type 1. Last evaluated: 2025-06-02. Review status: criteria provided, single submitter. Criteria: LabCorp Variant Classification Summary - May 2015. Collection method: clinical testing. Allele origin: germline.
Comment: Variant summary: NOTCH3 c.1732C>T (p.Arg578Cys) results in a non-conservative amino acid change in the encoded protein sequence. Algorithms developed to predict the effect of missense changes on protein structure and function all suggest that this variant is likely to be disruptive. The variant allele was found at a frequency of 4e-05 in 250688 control chromosomes. This frequency is not significantly higher than estimated for a pathogenic variant in NOTCH3 causing Cerebral arteriopathy, autosomal dominant, with subcortical infarcts and leukoencephalopathy, type 1 (4e-05 vs 6.3e-05), allowing no conclusion about variant significance. c.1732C>T has been observed in multiple individuals affected with Cerebral arteriopathy, autosomal dominant, with subcortical infarcts and leukoencephalopathy, type 1 (Joutel_1996, Choi_2006, Liem_2008, Pantoni_2010, Qin_2019)). These data indicate that the variant is very likely to be associated with disease. To our knowledge, no experimental evidence demonstrating an impact on protein function has been reported. The following publications have been ascertained in the context of this evaluation (PMID: 17135568, 8878478, 19153638, 20038773, 31554780). ClinVar contains an entry for this variant (Variation ID: 808496). Based on the evidence outlined above, the variant was classified as pathogenic.

GeneDx
Classification: Likely pathogenic. Last evaluated: 2025-05-20. Review status: criteria provided, single submitter. Criteria: GeneDx Variant Classification Process June 2021. Collection method: clinical testing. Allele origin: germline. Affected: yes.
Comment: Observed frequently in unrelated patients with CADASIL in published literature (PMID: 36535904, 19153638, 31554780, 30311053, 17135568, 8878478); Reported as a common pathogenic variant associated with CADASIL in the Dutch population (PMID: 36535904); In silico analysis supports that this missense variant has a deleterious effect on protein structure/function; This variant is associated with the following publications: (PMID: 27844030, 29544907, 30906334, 26002683, 19174371, 24139282, 34426522, 36535904, 34297860, 34741685, 17135568, 21852154, 9388399, 34352628, 17135558, 20038773, 20975277, 22259617, 27245348, 28555127, 24344756, 24844136, 26308724, 25344745, 32231578, 32122318, 32732295, 33712516, 34881353, 36221938, 33328970, 38790158, 36541592, 37526664, 8878478, 30311053, 31554780, 31996268, 19153638, 32573853, 39869842, 35300531)

Athena Diagnostics
Classification: Likely pathogenic. Last evaluated: 2024-10-25. Review status: criteria provided, single submitter. Criteria: Athena Diagnostics Criteria. Collection method: clinical testing. Allele origin: unknown.
Comment: This variant alters a critical location within the protein, and is expected to severely affect function and cause disease. The frequency of this variant in the general population is higher than would generally be expected for pathogenic variants in this gene. However, the variant also is statistically more frequent in both published patients with CADASIL and in our internal patient population (PMID: 8878478, 17135568, 20038773, 24139282, 27245348, 31554780;(Genome Aggregation Database (gnomAD), Cambridge, MA (URL)). This suggests this variant may be associated with reduced penetrance of disease. In multiple individuals, this variant has been seen either in the homozygous state or with an alternate explanation for disease in the same gene (PMID: 19153638, internal data). Greater than 90% of NOTCH3 pathogenic variants associated with CADASIL involve the gain or loss of a cysteine residue within the epidermal growth factor (EGF)-like repeat domain (PMID: 32457593, 20301673).